The following is an entry in ClinVar:

NM_030624.3(KLHL15):c.1772A>G (p.His591Arg)

Gene: KLHL15 (kelch like family member 15; minus strand). Cytogenetic location: Xp22.11.
Variant type: single nucleotide variant.
Coding change: c.1772A>G on transcript NM_030624.3 (MANE Select); coding-DNA position 1772, A replaced by G.
Protein change: p.His591Arg; replaces histidine 591 with arginine.
Molecular consequence: missense variant.
Genome position (GRCh38, 1-based): chrX:23,987,964, T>C on the plus strand (A>G on the coding strand, the complement: KLHL15 is on the minus strand). VCF-style: chrX-23987964-T-C. GRCh37 (hg19) VCF-style: chrX-24006081-T-C.
Other names: short protein forms H591R.
Identifiers: ClinVar variation 3347191 (VCV003347191.1).

ClinVar aggregate classification (germline): Uncertain significance (0 of 4 stars; one submission).

Conditions:
KLHL15-related disorder. Also called: KLHL15-related condition.

gnomAD v4.1: 1 of 1,210,517 alleles (0.000083%); highest among the groups gnomAD compares: Non-Finnish European, 0.00011%; no homozygotes.

Submission:

PreventionGenetics, part of Exact Sciences
Classification: Uncertain significance for KLHL15-related condition. Last evaluated: 2024-08-28. Review status: no assertion criteria provided. Collection method: clinical testing. Allele origin: germline.
Comment: The KLHL15 c.1772A>G variant is predicted to result in the amino acid substitution p.His591Arg. To our knowledge, this variant has not been reported in the literature or in gnomAD, indicating this variant is rare. At this time, the clinical significance of this variant is uncertain due to the absence of conclusive functional and genetic evidence.